The following is an entry in ClinVar:

ClinVar aggregate classification (germline): Uncertain significance (1 of 4 stars; one submission).

Conditions:
Hereditary diffuse gastric adenocarcinoma (HDGC). Also called: DIFFUSE GASTRIC AND LOBULAR BREAST CANCER SYNDROME. Identifiers: Orphanet 26106, MedGen C1708349, MONDO:0007648, OMIM 137215.

Allele frequency attached by ClinVar (database versions not stated): TOPMed 0.00001.

Submission:

Labcorp Genetics (formerly Invitae), Labcorp
Classification: Uncertain significance for Hereditary diffuse gastric adenocarcinoma. Last evaluated: 2022-03-01. Review status: criteria provided, single submitter. Criteria: Invitae Variant Classification Sherloc (09022015). Collection method: clinical testing. Allele origin: germline.
Comment: In summary, the available evidence is currently insufficient to determine the role of this variant in disease. Therefore, it has been classified as a Variant of Uncertain Significance. Algorithms developed to predict the effect of missense changes on protein structure and function (SIFT, PolyPhen-2, Align-GVGD) all suggest that this variant is likely to be disruptive. This variant has not been reported in the literature in individuals affected with CDH1-related conditions. This variant is not present in population databases (gnomAD no frequency). This sequence change replaces asparagine, which is neutral and polar, with threonine, which is neutral and polar, at codon 387 of the CDH1 protein (p.Asn387Thr).

NM_004360.5(CDH1):c.1160A>C (p.Asn387Thr)

Gene: CDH1 (cadherin 1; plus strand). Cytogenetic location: 16q22.1.
Variant type: single nucleotide variant.
Coding change: c.1160A>C on transcript NM_004360.5 (MANE Select); coding-DNA position 1160, A replaced by C.
Protein change: p.Asn387Thr; replaces asparagine 387 with threonine.
Molecular consequence: missense variant. On other transcripts: 5 prime UTR variant (2), intron variant (1).
Genome position (GRCh38, 1-based): chr16:68,813,335, A>C. VCF-style: chr16-68813335-A-C. GRCh37 (hg19) VCF-style: chr16-68847238-A-C.
Other names: c.-456A>C (NM_001317185.2); c.-660A>C (NM_001317186.2); c.1137+1072A>C (NM_001317184.2); short protein forms N387T.
Identifiers: ClinVar variation 2104967 (VCV002104967.4), dbSNP rs779426744, ClinGen allele CA396461096.